The following is an entry in ClinVar:

ClinVar aggregate classification (germline): Uncertain significance (1 of 4 stars; one submission).

Conditions:
Hereditary spastic paraplegia 63. Also called: Spastic paraplegia 63, autosomal recessive. Identifiers: Orphanet 401805, MedGen C3810295, MONDO:0014305, OMIM 615686.
Pontocerebellar hypoplasia type 9. Identifiers: Orphanet 369920, MedGen C4014354, MONDO:0014351, OMIM 615809.

Allele frequency attached by ClinVar (database versions not stated): ExAC 0.00001; gnomAD 0.00003; gnomAD exomes below 0.00001; TOPMed 0.00001.
gnomAD v4.1: 10 of 1,614,016 alleles (0.00062%); highest among the groups gnomAD compares: African/African-American, 0.0053%; no homozygotes.

Submission:

Labcorp Genetics (formerly Invitae), Labcorp
Classification: Uncertain significance for Pontocerebellar hypoplasia type 9; Hereditary spastic paraplegia 63. Last evaluated: 2025-03-07. Review status: criteria provided, single submitter. Criteria: Invitae Variant Classification Sherloc (09022015). Collection method: clinical testing. Allele origin: germline.
Comment: This sequence change replaces arginine, which is basic and polar, with tryptophan, which is neutral and slightly polar, at codon 180 of the AMPD2 protein (p.Arg180Trp). This variant is present in population databases (rs765794204, gnomAD 0.008%). This variant has not been reported in the literature in individuals affected with AMPD2-related conditions. ClinVar contains an entry for this variant (Variation ID: 2152947). An algorithm developed to predict the effect of missense changes on protein structure and function (PolyPhen-2) suggests that this variant is likely to be tolerated. In summary, the available evidence is currently insufficient to determine the role of this variant in disease. Therefore, it has been classified as a Variant of Uncertain Significance.

NM_001368809.2(AMPD2):c.376C>T (p.Arg126Trp)

Gene: AMPD2 (adenosine monophosphate deaminase 2; plus strand). Cytogenetic location: 1p13.3.
Variant type: single nucleotide variant.
Coding change: c.376C>T on transcript NM_001368809.2 (MANE Select); coding-DNA position 376, C replaced by T.
Protein change: p.Arg126Trp; replaces arginine 126 with tryptophan.
Molecular consequence: missense variant.
Genome position (GRCh38, 1-based): chr1:109,626,182, C>T. VCF-style: chr1-109626182-C-T. GRCh37 (hg19) VCF-style: chr1-110168804-C-T.
Other names: c.538C>T, p.Arg180Trp (NM_001257360.2); c.184C>T, p.Arg62Trp (NM_001257361.2); c.313C>T, p.Arg105Trp (NM_001308170.1); c.376C>T, p.Arg126Trp (NM_004037.9); c.295C>T, p.Arg99Trp (NM_139156.4); short protein forms R105W, R126W, R99W, R180W, R62W.
Identifiers: ClinVar variation 2152947 (VCV002152947.3), dbSNP rs765794204, ClinGen allele CA992776.